The following is an entry in ClinVar:

NM_000233.4(LHCGR):c.384-2A>G

Genes: LHCGR (luteinizing hormone/choriogonadotropin receptor; minus strand), STON1-GTF2A1L (STON1-GTF2A1L readthrough; plus strand). Cytogenetic location: 2p16.3.
Variant type: single nucleotide variant.
Coding change: c.384-2A>G on transcript NM_000233.4 (MANE Select); the canonical splice acceptor site of the intron before coding-DNA position 384, A replaced by G.
Molecular consequence: splice acceptor variant. On other transcripts: intron variant (1).
Genome position (GRCh38, 1-based): chr2:48,723,698, T>C on the plus strand (A>G on the coding strand, the complement: LHCGR is on the minus strand). VCF-style: chr2-48723698-T-C. GRCh37 (hg19) VCF-style: chr2-48950837-T-C.
Other names: c.3441+52018T>C (NM_001198593.2).
Identifiers: ClinVar variation 4796674 (VCV004796674.1).

ClinVar aggregate classification (germline): Pathogenic (1 of 4 stars; one submission).

Conditions:
Leydig cell agenesis. Also called: HYPERGONADOTROPIC HYPOGONADISM, MALE, DUE TO LHCGR DEFECT; LEYDIG CELL HYPOPLASIA WITH MALE PSEUDOHERMAPHRODITISM; LEYDIG CELL HYPOPLASIA, COMPLETE; Leydig cell hypoplasia, type 1. Identifiers: MedGen C0266432, MONDO:0009384, OMIM 238320.

gnomAD v4.1: 1 of 1,610,140 alleles (0.000062%); no homozygotes.

Submission:

Genetic Endocrinology Unit / Unidade de Endocrinologia Genetica - LIM25, Universidade de Sao Paulo (USP)
Classification: Pathogenic for Leydig cell agenesis. Last evaluated: 2026-02-23. Review status: criteria provided, single submitter. Criteria: ACMG Guidelines, 2015. Collection method: clinical testing. Allele origin: germline. Inheritance: Autosomal recessive inheritance. Affected: yes. Observed: 1 homozygote.
Comment: The variant was identified in homozygosity in two patients from the same family with a typical clinical features of Leydig cell hypoplasia with hypergonadotropic hypogonadism (OMIM #238320). The variant has only been described in heterozygosity with a low frequency in public databases (1 allele out of 62,378 in a subpopulation of gnomAD). The variant is located in a canonical splice acceptor site (c.384-2A>G) in intron 4 and predicts altered splice processing (SpliceAI Splice-Altering / strong, score = 0.78 and dbscSNV Ada Deleterious, score = 1). For these reasons, the variant was considered pathogenic in relation to the described phenotype.